The following is an entry in ClinVar:

ClinVar aggregate classification (germline): Uncertain significance. Review status: criteria provided, multiple submitters, no conflicts (2 of 4 stars). 3 submissions from 3 submitters: Uncertain significance (3). Last evaluated 2025-12-08.

Conditions:
Hereditary cancer-predisposing syndrome. Also called: Hereditary neoplastic syndrome; Neoplastic Syndromes, Hereditary; Tumor predisposition; Hereditary Cancer Syndrome. Identifiers: Orphanet 140162, MedGen C0027672, MeSH D009386, MONDO:0015356.
Fanconi anemia complementation group J. Also called: BRIP1-Related Fanconi Anemia. Identifiers: Orphanet 84, MedGen C1836860, MONDO:0012187, OMIM 609054.
Familial cancer of breast. Also called: BREAST CANCER, FAMILIAL; hereditary breast carcinoma; Hereditary breast cancer. Identifiers: Orphanet 227535, MedGen C0346153, MONDO:0016419, OMIM 114480. Disease mechanism: loss of function.

Submissions (3):

Labcorp Genetics (formerly Invitae), Labcorp
Classification: Uncertain significance for Familial cancer of breast; Fanconi anemia complementation group J. Last evaluated: 2025-12-08. Review status: criteria provided, single submitter. Criteria: Invitae Variant Classification Sherloc (09022015). Collection method: clinical testing. Allele origin: germline.
Comment: This sequence change replaces aspartic acid, which is acidic and polar, with glycine, which is neutral and non-polar, at codon 791 of the BRIP1 protein (p.Asp791Gly). This variant is not present in population databases (gnomAD no frequency). This variant has not been reported in the literature in individuals affected with BRIP1-related conditions. ClinVar contains an entry for this variant (Variation ID: 461104). Invitae Evidence Modeling of protein sequence and biophysical properties (such as structural, functional, and spatial information, amino acid conservation, physicochemical variation, residue mobility, and thermodynamic stability) indicates that this missense variant is expected to disrupt BRIP1 protein function with a positive predictive value of 95%. RNA analysis performed to evaluate the impact of this missense change on mRNA splicing indicates it does not significantly alter splicing (internal data). In summary, the available evidence is currently insufficient to determine the role of this variant in disease. Therefore, it has been classified as a Variant of Uncertain Significance.

Ambry Genetics
Classification: Uncertain significance for Hereditary cancer-predisposing syndrome. Last evaluated: 2025-01-13. Review status: criteria provided, single submitter. Criteria: Ambry Variant Classification Scheme 2023. Collection method: clinical testing. Allele origin: germline.
Comment: The p.D791G variant (also known as c.2372A>G), located in coding exon 15 of the BRIP1 gene, results from an A to G substitution at nucleotide position 2372. The aspartic acid at codon 791 is replaced by glycine, an amino acid with similar properties. This amino acid position is well conserved in available vertebrate species. In addition, this alteration is predicted to be deleterious by in silico analysis. Since supporting evidence is limited at this time, the clinical significance of this alteration remains unclear.

Baylor Genetics
Classification: Uncertain significance for Familial cancer of breast. Last evaluated: 2023-12-11. Review status: criteria provided, single submitter. Criteria: ACMG Guidelines, 2015. Collection method: clinical testing. Allele origin: unknown.

NM_032043.3(BRIP1):c.2372A>G (p.Asp791Gly)

Gene: BRIP1 (BRCA1 interacting DNA helicase 1; minus strand). Cytogenetic location: 17q23.2.
Variant type: single nucleotide variant.
Coding change: c.2372A>G on transcript NM_032043.3 (MANE Select); coding-DNA position 2372, A replaced by G.
Protein change: p.Asp791Gly; replaces aspartic acid 791 with glycine.
Molecular consequence: missense variant.
Genome position (GRCh38, 1-based): chr17:61,743,020, T>C on the plus strand (A>G on the coding strand, the complement: BRIP1 is on the minus strand). VCF-style: chr17-61743020-T-C. GRCh37 (hg19) VCF-style: chr17-59820381-T-C.
Other names: short protein forms D791G.
Identifiers: ClinVar variation 461104 (VCV000461104.13), dbSNP rs876658934, ClinGen allele CA400482533.